The following is an entry in ClinVar:

ClinVar aggregate classification (germline): Uncertain significance (1 of 4 stars; one submission).

Conditions:
Long QT syndrome (LQTS). Identifiers: MedGen C0023976, MeSH D008133, MONDO:0002442. Disease mechanism: loss of function. Inheritance: Various modes of inheritance.

Allele frequency attached by ClinVar (database versions not stated): gnomAD exomes below 0.00001; TOPMed below 0.00001.
gnomAD v4.1: 1 of 1,595,886 alleles (0.000063%); highest among the groups gnomAD compares: Non-Finnish European, 0.000086%; no homozygotes.

Submission:

All of Us Research Program, National Institutes of Health
Classification: Uncertain significance for Long QT syndrome. Last evaluated: 2023-02-10. Review status: criteria provided, single submitter. Criteria: ACMG Guidelines, 2015. Collection method: clinical testing. Allele origin: germline. Inheritance: Autosomal dominant inheritance. Observed: 1 variant allele, 1 heterozygote.
Comment: This study involves interpretation of variants in research participants for the purpose of population health screening. Participant phenotype was not available at the time of variant classification. Additional details can be found in publication PMID: 35346344, PMCID: PMC8962531

NM_000238.4(KCNH2):c.1607C>T (p.Ala536Val)

Gene: KCNH2 (potassium voltage-gated channel subfamily H member 2; minus strand). Cytogenetic location: 7q36.1.
Variant type: single nucleotide variant.
Coding change: c.1607C>T on transcript NM_000238.4 (MANE Select); coding-DNA position 1607, C replaced by T.
Protein change: p.Ala536Val; replaces alanine 536 with valine.
Molecular consequence: missense variant. On other transcripts: non-coding transcript variant (2).
Genome position (GRCh38, 1-based): chr7:150,951,786, G>A on the plus strand (C>T on the coding strand, the complement: KCNH2 is on the minus strand). VCF-style: chr7-150951786-G-A. GRCh37 (hg19) VCF-style: chr7-150648874-G-A.
Other names: c.587C>T, p.Ala196Val (NM_001204798.2, NM_172057.3); c.1319C>T, p.Ala440Val (NM_001406753.1, NM_001406756.1); c.1430C>T, p.Ala477Val (NM_001406755.1); c.1307C>T, p.Ala436Val (NM_001406757.1); c.1607C>T, p.Ala536Val (NM_172056.3); short protein forms A196V, A436V, A440V, A477V, A536V.
Identifiers: ClinVar variation 3069429 (VCV003069429.1), dbSNP rs942781074, ClinGen allele CA169077021.